The following is an entry in ClinVar:

NM_001395656.1(ROBO2):c.*2737G>A

Gene: ROBO2 (roundabout guidance receptor 2; plus strand). Cytogenetic location: 3p12.3.
Variant type: single nucleotide variant.
Coding change: c.*2737G>A on transcript NM_001395656.1 (MANE Select); 2737 bases downstream of the stop codon, G replaced by A.
Molecular consequence: 3 prime UTR variant.
Genome position (GRCh38, 1-based): chr3:77,648,792, G>A. VCF-style: chr3-77648792-G-A. GRCh37 (hg19) VCF-style: chr3-77697943-G-A.
Other names: c.*2737G>A (NM_001394213.1, NM_001394214.1, NM_002942.5 and 14 more transcripts); c.*2734G>A (NM_001395657.1, NM_001378194.1, NM_001378196.1 and 3 more transcripts).
Identifiers: ClinVar variation 346754 (VCV000346754.7), dbSNP rs1163748, ClinGen allele CA10619651.

ClinVar aggregate classification (germline): Benign. Review status: criteria provided, multiple submitters, no conflicts (2 of 4 stars). 2 submissions from 2 submitters: Benign (2). Last evaluated 2018-01-13.

Conditions:
Vesicoureteral reflux 2 (VUR2). Identifiers: Orphanet 289365, MedGen C1970483, MONDO:0012573, OMIM 610878.

Allele frequency attached by ClinVar (database versions not stated): gnomAD 0.64392 and 0.64501; TOPMed 0.65604; 1000 Genomes Project 30x 0.68239; 1000 Genomes Project 0.68311.

Submissions (2):

Illumina Laboratory Services, Illumina
Classification: Benign for Vesicoureteral reflux 2. Last evaluated: 2018-01-13. Review status: criteria provided, single submitter. Criteria: ICSL Variant Classification Criteria 13 December 2019. Collection method: clinical testing. Allele origin: germline.
Comment: This variant was observed in the ICSL laboratory as part of a predisposition screen in an ostensibly healthy population. It had not been previously curated by ICSL or reported in the Human Gene Mutation Database (HGMD: prior to June 1st, 2018), and was therefore a candidate for classification through an automated scoring system. Utilizing variant allele frequency, disease prevalence and penetrance estimates, and inheritance mode, an automated score was calculated to assess if this variant is too frequent to cause the disease. Based on the score and internal cut-off values, a variant classified as benign is not then subjected to further curation. The score for this variant resulted in a classification of benign for this disease.

Breakthrough Genomics
Classification: Benign. Review status: criteria provided, single submitter. Criteria: ACMG Guidelines, 2015. Collection method: not provided. Allele origin: germline. Inheritance: Autosomal dominant inheritance. Affected: yes.